The following is an entry in ClinVar:

ClinVar aggregate classification (germline): Pathogenic (1 of 4 stars; one submission).

Conditions:
Granulomatous disease, chronic, X-linked. Also called: GRANULOMATOUS DISEASE, CHRONIC, X-LINKED, SOMATIC MOSAIC; CYTOCHROME b-NEGATIVE GRANULOMATOUS DISEASE, CHRONIC, X-LINKED. Identifiers: Orphanet 379, MedGen C1844376, MONDO:0010600, OMIM 306400.

Submission:

Labcorp Genetics (formerly Invitae), Labcorp
Classification: Pathogenic for Granulomatous disease, chronic, X-linked. Last evaluated: 2022-08-09. Review status: criteria provided, single submitter. Criteria: Invitae Variant Classification Sherloc (09022015). Collection method: clinical testing. Allele origin: germline.
Comment: For these reasons, this variant has been classified as Pathogenic. This premature translational stop signal has been observed in individual(s) with chronic granulomatous disease (PMID: 8634410, 18546332). This variant is not present in population databases (gnomAD no frequency). This sequence change creates a premature translational stop signal (p.Trp4*) in the CYBB gene. It is expected to result in an absent or disrupted protein product. Loss-of-function variants in CYBB are known to be pathogenic (PMID: 9585602, 20729109).

Literature cited by the submitters: PubMed 8634410; PubMed 18546332; PubMed 9585602; PubMed 20729109.

NM_000397.4(CYBB):c.11G>A (p.Trp4Ter)

Gene: CYBB (cytochrome b-245 beta chain; plus strand). Cytogenetic location: Xp21.1.
Variant type: single nucleotide variant.
Coding change: c.11G>A on transcript NM_000397.4 (MANE Select); coding-DNA position 11, G replaced by A.
Protein change: p.Trp4Ter; replaces tryptophan 4 with a stop codon.
Molecular consequence: nonsense.
Genome position (GRCh38, 1-based): chrX:37,780,088, G>A. VCF-style: chrX-37780088-G-A. GRCh37 (hg19) VCF-style: chrX-37639341-G-A.
Other names: short protein forms W4*.
Identifiers: ClinVar variation 2138517 (VCV002138517.4), dbSNP rs2519189201, ClinGen allele CA412971918.